The following is an entry in ClinVar:

NM_000821.7(GGCX):c.1358G>A (p.Arg453His)

Gene: GGCX (gamma-glutamyl carboxylase; minus strand). Cytogenetic location: 2p11.2.
Variant type: single nucleotide variant.
Coding change: c.1358G>A on transcript NM_000821.7 (MANE Select); coding-DNA position 1358, G replaced by A.
Protein change: p.Arg453His; replaces arginine 453 with histidine.
Molecular consequence: missense variant.
Genome position (GRCh38, 1-based): chr2:85,552,497, C>T on the plus strand (G>A on the coding strand, the complement: GGCX is on the minus strand). VCF-style: chr2-85552497-C-T. GRCh37 (hg19) VCF-style: chr2-85779620-C-T.
Other names: c.1187G>A, p.Arg396His (NM_001142269.4); short protein forms R453H, R396H.
Identifiers: ClinVar variation 3519979 (VCV003519979.2).

ClinVar aggregate classification (germline): Uncertain significance. Review status: criteria provided, multiple submitters, no conflicts (2 of 4 stars). 2 submissions from 2 submitters: Uncertain significance (2). Last evaluated 2026-01-14.

Conditions:
Inborn genetic diseases. Identifiers: MedGen C0950123, MeSH D030342.

gnomAD v4.1: 6 of 1,613,438 alleles (0.00037%); highest among the groups gnomAD compares: African/African-American, 0.0027%; no homozygotes.

Submissions (2):

Labcorp Genetics (formerly Invitae), Labcorp
Classification: Uncertain significance. Last evaluated: 2026-01-14. Review status: criteria provided, single submitter. Criteria: Invitae Variant Classification Sherloc (09022015). Collection method: clinical testing. Allele origin: germline.
Comment: This sequence change replaces arginine, which is basic and polar, with histidine, which is basic and polar, at codon 453 of the GGCX protein (p.Arg453His). This variant is not present in population databases (gnomAD no frequency). This variant has not been reported in the literature in individuals affected with GGCX-related conditions. ClinVar contains an entry for this variant (Variation ID: 3519979). Invitae Evidence Modeling of protein sequence and biophysical properties (such as structural, functional, and spatial information, amino acid conservation, physicochemical variation, residue mobility, and thermodynamic stability) indicates that this missense variant is not expected to disrupt GGCX protein function with a negative predictive value of 80%. In summary, the available evidence is currently insufficient to determine the role of this variant in disease. Therefore, it has been classified as a Variant of Uncertain Significance.

Ambry Genetics
Classification: Uncertain significance for Inborn genetic diseases. Last evaluated: 2024-10-25. Review status: criteria provided, single submitter. Criteria: Ambry Variant Classification Scheme 2023. Collection method: clinical testing. Allele origin: germline.